The following is an entry in ClinVar:

NM_000368.5(TSC1):c.2516A>G (p.Glu839Gly)

Gene: TSC1 (TSC complex subunit 1; minus strand). Cytogenetic location: 9q34.13.
Variant type: single nucleotide variant.
Coding change: c.2516A>G on transcript NM_000368.5 (MANE Select); coding-DNA position 2516, A replaced by G.
Protein change: p.Glu839Gly; replaces glutamic acid 839 with glycine.
Molecular consequence: missense variant.
Genome position (GRCh38, 1-based): chr9:132,900,824, T>C on the plus strand (A>G on the coding strand, the complement: TSC1 is on the minus strand). VCF-style: chr9-132900824-T-C. GRCh37 (hg19) VCF-style: chr9-135776211-T-C.
Other names: c.2513A>G, p.Glu838Gly (NM_001162426.2); c.2363A>G, p.Glu788Gly (NM_001162427.2); c.2153A>G, p.Glu718Gly (NM_001362177.2); short protein forms E788G, E838G, E718G, E839G.
Identifiers: ClinVar variation 821421 (VCV000821421.4), dbSNP rs1588297551, ClinGen allele CA375370311.
Genomic context (GRCh38, chr9:132,900,824, plus strand): 5'-TTGACCTCCCCAAGAACCAACAGCTGCCTGTTCAAGAACTCCATCTGCTGCTGGACCGAC[T>C]CACTGTTTGAGAGCTAACCAAAAAACATGAGCAAAGTGAAAAATCCGACGACATAAAACT-3'
Protein context (NP_000359.1, residues 829-849): SQVSQKLSNS[Glu839Gly]SVQQQMEFLN

ClinVar aggregate classification (germline): Uncertain significance (1 of 4 stars; one submission).

Conditions:
Hereditary cancer-predisposing syndrome. Also called: Neoplastic Syndromes, Hereditary; Tumor predisposition; Hereditary Cancer Syndrome; Hereditary neoplastic syndrome. Identifiers: Orphanet 140162, MedGen C0027672, MeSH D009386, MONDO:0015356.

Submission:

Ambry Genetics
Classification: Uncertain significance for Hereditary cancer-predisposing syndrome. Last evaluated: 2019-04-25. Review status: criteria provided, single submitter. Criteria: Ambry Variant Classification Scheme 2023. Collection method: clinical testing. Allele origin: germline.
Comment: The p.E839G variant (also known as c.2516A>G), located in coding exon 18 of the TSC1 gene, results from an A to G substitution at nucleotide position 2516. The glutamic acid at codon 839 is replaced by glycine, an amino acid with similar properties. This amino acid position is highly conserved in available vertebrate species. In addition, this alteration is predicted to be deleterious by in silico analysis. Since supporting evidence is limited at this time, the clinical significance of this alteration remains unclear.